The following is an entry in ClinVar:

NM_004958.4(MTOR):c.4387T>C (p.Tyr1463His)

Gene: MTOR (mechanistic target of rapamycin kinase; minus strand). Cytogenetic location: 1p36.22.
Variant type: single nucleotide variant.
Coding change: c.4387T>C on transcript NM_004958.4 (MANE Select); coding-DNA position 4387, T replaced by C.
Protein change: p.Tyr1463His; replaces tyrosine 1463 with histidine.
Molecular consequence: missense variant.
Genome position (GRCh38, 1-based): chr1:11,157,234, A>G on the plus strand (T>C on the coding strand, the complement: MTOR is on the minus strand). VCF-style: chr1-11157234-A-G. GRCh37 (hg19) VCF-style: chr1-11217291-A-G.
Other names: c.4387T>C, p.Tyr1463His (NM_001386500.1); c.3139T>C, p.Tyr1047His (NM_001386501.1); short protein forms Y1047H, Y1463H.
Identifiers: ClinVar variation 4754404 (VCV004754404.1).

ClinVar aggregate classification (germline): Uncertain significance (1 of 4 stars; one submission).

gnomAD v4.1: 4 of 1,614,024 alleles (0.00025%); highest among the groups gnomAD compares: Non-Finnish European, 0.00034%; no homozygotes.

Submission:

Labcorp Genetics (formerly Invitae), Labcorp
Classification: Uncertain significance. Last evaluated: 2025-03-19. Review status: criteria provided, single submitter. Criteria: Invitae Variant Classification Sherloc (09022015). Collection method: clinical testing. Allele origin: germline.
Comment: This sequence change replaces tyrosine, which is neutral and polar, with histidine, which is basic and polar, at codon 1463 of the MTOR protein (p.Tyr1463His). This variant is not present in population databases (gnomAD no frequency). This variant has not been reported in the literature in individuals affected with MTOR-related conditions. Invitae Evidence Modeling of protein sequence and biophysical properties (such as structural, functional, and spatial information, amino acid conservation, physicochemical variation, residue mobility, and thermodynamic stability) indicates that this missense variant is not expected to disrupt MTOR protein function with a negative predictive value of 95%. In summary, the available evidence is currently insufficient to determine the role of this variant in disease. Therefore, it has been classified as a Variant of Uncertain Significance.